The following is an entry in ClinVar:

NM_014014.5(SNRNP200):c.1871G>A (p.Arg624Lys)

Gene: SNRNP200 (small nuclear ribonucleoprotein U5 subunit 200; minus strand). Cytogenetic location: 2q11.2.
Variant type: single nucleotide variant.
Coding change: c.1871G>A on transcript NM_014014.5 (MANE Select); coding-DNA position 1871, G replaced by A.
Protein change: p.Arg624Lys; replaces arginine 624 with lysine.
Molecular consequence: missense variant.
Genome position (GRCh38, 1-based): chr2:96,293,481, C>T on the plus strand (G>A on the coding strand, the complement: SNRNP200 is on the minus strand). VCF-style: chr2-96293481-C-T. GRCh37 (hg19) VCF-style: chr2-96959219-C-T.
Other names: short protein forms R624K.
Identifiers: ClinVar variation 143143 (VCV000143143.2), dbSNP rs527236115, ClinGen allele CA270105.

ClinVar aggregate classification (germline): Conflicting classifications of pathogenicity. Review status: no assertion criteria provided (0 of 4 stars). 2 submissions from 2 submitters: Likely pathogenic (1); Uncertain significance (1).

Conditions:
Retinal dystrophy. Also called: Inherited retinal dystrophy. Identifiers: Orphanet 71862, MedGen C0854723, MeSH D058499, MONDO:0019118, HP:0000556.
Retinitis pigmentosa (RP). Identifiers: Orphanet 791, MedGen C0035334, MeSH D012174, MONDO:0019200, OMIM 268000. Inheritance: Autosomal dominant, autosomal recessive and X linked inheritance.

Submissions (2):

Centre for Genomic Medicine, Manchester, Central Manchester University Hospitals
Classification: Uncertain significance for Retinal dystrophy. Review status: no assertion criteria provided. Collection method: clinical testing. Allele origin: germline. Affected: yes.

Department of Ophthalmology and Visual Sciences Kyoto University
Classification: Likely pathogenic for Retinitis pigmentosa. Review status: no assertion criteria provided. Collection method: not provided. Allele origin: unknown.
ClinVar note: Converted during submission from probable-pathogenic to Likely pathogenic.